The following is an entry in ClinVar:

ClinVar aggregate classification (germline): Likely pathogenic (1 of 4 stars; one submission).

Conditions:
Familial cancer of breast. Also called: BREAST CANCER, FAMILIAL; hereditary breast carcinoma; Hereditary breast cancer. Identifiers: Orphanet 227535, MedGen C0346153, MONDO:0016419, OMIM 114480. Disease mechanism: loss of function.

Submission:

Myriad Genetics, Inc.
Classification: Likely pathogenic for Familial cancer of breast. Last evaluated: 2023-06-06. Review status: criteria provided, single submitter. Criteria: Myriad Autosomal Dominant, Autosomal Recessive and X-Linked Classification Criteria (2023). Collection method: clinical testing. Allele origin: unknown.
Comment: This variant is considered likely pathogenic. This variant occurs within a consensus splice junction and is predicted to result in abnormal mRNA splicing of either an out-of-frame exon or an in-frame exon necessary for protein stability and/or normal function.

NM_032043.3(BRIP1):c.2258-2A>T

Gene: BRIP1 (BRCA1 interacting DNA helicase 1; minus strand). Cytogenetic location: 17q23.2.
Variant type: single nucleotide variant.
Coding change: c.2258-2A>T on transcript NM_032043.3 (MANE Select); the canonical splice acceptor site of the intron before coding-DNA position 2258, A replaced by T.
Molecular consequence: splice acceptor variant.
Genome position (GRCh38, 1-based): chr17:61,743,136, T>A on the plus strand (A>T on the coding strand, the complement: BRIP1 is on the minus strand). VCF-style: chr17-61743136-T-A. GRCh37 (hg19) VCF-style: chr17-59820497-T-A.
Identifiers: ClinVar variation 2584217 (VCV002584217.2), dbSNP rs2144680456, ClinGen allele CA400482771.